The following is an entry in ClinVar:

NM_001165963.4(SCN1A):c.4777_4778del (p.Ile1593fs)

Genes: SCN1A (sodium voltage-gated channel alpha subunit 1; minus strand), LOC102724058 (uncharacterized LOC102724058; plus strand). Cytogenetic location: 2q24.3.
Variant type: Deletion.
Coding change: c.4777_4778del on transcript NM_001165963.4 (MANE Select); coding-DNA positions 4777 to 4778, 2 bases deleted (AT; older notation c.4777_4778delAT).
Protein change: p.Ile1593fs; shifts the reading frame from isoleucine 1593.
Molecular consequence: frameshift variant. On other transcripts: non-coding transcript variant (1).
Genome position (GRCh38, 1-based): chr2:165,994,220-165,994,221, AT deleted on the plus strand (AT on the coding strand, the reverse complement: SCN1A is on the minus strand). VCF-style (leftmost placement, unchanged base first): chr2-165994219-GAT-G. GRCh37 (hg19) VCF-style: chr2-166850729-GAT-G.
Other names: c.4693_4694del, p.Ile1565fs (NM_001165964.3, NM_001353957.2, NM_001353958.2); c.4777_4778del, p.Ile1593fs (NM_001202435.3, NM_001353948.2); c.4744_4745del, p.Ile1582fs (NM_001353949.2, NM_001353950.2, NM_001353951.2 and 2 more transcripts); c.4741_4742del, p.Ile1581fs (NM_001353954.2, NM_001353955.2); c.4690_4691del, p.Ile1564fs (NM_001353960.2); c.2335_2336del, p.Ile779fs (NM_001353961.2); short protein forms I1565fs, I1581fs, I1593fs, I1564fs, I1582fs, I779fs.
Identifiers: ClinVar variation 206918 (VCV000206918.1), dbSNP rs796053080, ClinGen allele CA317736.
Genomic context (GRCh38, chr2:165,994,219, plus strand): 5'-AATGACAACCACAAAATCAAAAATATTCCATCCAATGGTAAAATAATAATGGCGTAGAGA[GAT>G]GAGTTTCAGTACACACTCTCCAGTAAATAGCACAATGAACACCAGATTGATGCGTGACAA-3'

ClinVar aggregate classification (germline): Pathogenic (1 of 4 stars; one submission).

Submission:

GeneDx
Classification: Pathogenic. Last evaluated: 2013-05-14. Review status: criteria provided, single submitter. Criteria: GeneDx Variant Classification (06012015). Collection method: clinical testing. Allele origin: germline. Affected: yes.
Comment: c.4777_4778delAT: p.Ile1593LeufsX15 (I1593Lfsx15) in exon 25 of the SCN1A gene (NM_001165963.1). The normal sequence with the bases that are deleted in braces is ACTC{delAT}CTCTCTA. The c.4777_4778delAT mutation in the SCN1A gene causes a frameshift starting with codon Isoleucine 1593, changes this amino acid to a Leucine residue and creates a premature Stop codon at position 15 of the new reading frame, denoted p.Ile1593LeufsX15. This mutation is predicted to result in the replacement of the last 417 amino acids of the protein with 14 incorrect amino acids. Although this mutation has not been previously reported to our knowledge, its presence is consistent with a diagnosis of an SCN1A-related disorder. The variant is found in INFANT-EPI panel(s).